The following is an entry in ClinVar:

ClinVar aggregate classification (germline): Pathogenic. Review status: criteria provided, multiple submitters, no conflicts (2 of 4 stars). 2 submissions from 2 submitters: Pathogenic (2). Last evaluated 2026-09-14.

Conditions:
Retinal disorder. Also called: Retinopathies; Retinal Diseases; Retinal disorders; Retinopathy. Identifiers: MedGen C0035309, MONDO:0005283, HP:0000488.

Allele frequency attached by ClinVar (database versions not stated): gnomAD exomes below 0.00001.
gnomAD v4.1: 2 of 1,614,228 alleles (0.00012%); highest among the groups gnomAD compares: African/African-American, 0.0027%; no homozygotes.

Submissions (2):

Genetics Laboratory, Great Ormond Street Hospital NHS Foundation Trust, North Thames Genomic Laboratory Hub
Classification: Pathogenic for Retinal disorders. Last evaluated: 2026-09-14. Review status: criteria provided, single submitter. Criteria: ACGS Best Practice Guidelines for Variant Classification in Rare Disease 2024 v1.2. Collection method: clinical testing. Allele origin: germline. Affected: yes.
Comment: PM2_moderate, PVS1_very-strong, PM3_supporting

GeneDx
Classification: Pathogenic. Last evaluated: 2019-01-21. Review status: criteria provided, single submitter. Criteria: GeneDx Variant Classification (06012015). Collection method: clinical testing. Allele origin: germline. Affected: yes.
Comment: The Y898X nonsense variant has been reported previously as homozygous in association with congenital stationary night blindness (Taylor et al., 2017). This variant is predicted to cause loss of normal protein function either through protein truncation or nonsense-mediated mRNA decay. The variant is not observed in large population cohorts (Lek et al., 2016).We interpret this variant as pathogenic.

NM_001252024.2(TRPM1):c.2760C>G (p.Tyr920Ter)

Genes: TRPM1 (transient receptor potential cation channel subfamily M member 1; minus strand), TRPM1-AS1 (TRPM1 antisense RNA 1; plus strand). Cytogenetic location: 15q13.3.
Variant type: single nucleotide variant.
Coding change: c.2760C>G on transcript NM_001252024.2 (MANE Select); coding-DNA position 2760, C replaced by G.
Protein change: p.Tyr920Ter; replaces tyrosine 920 with a stop codon.
Molecular consequence: nonsense.
Genome position (GRCh38, 1-based): chr15:31,032,881, G>C on the plus strand (C>G on the coding strand, the complement: TRPM1 is on the minus strand). VCF-style: chr15-31032881-G-C. GRCh37 (hg19) VCF-style: chr15-31325084-G-C.
Other names: c.2811C>G, p.Tyr937Ter (NM_001252020.2); c.2694C>G, p.Tyr898Ter (NM_002420.6); short protein forms Y898*, Y920*, Y937*.
Identifiers: ClinVar variation 620194 (VCV000620194.2), dbSNP rs1567004102, ClinGen allele CA391546421.
Genomic context (GRCh38, chr15:31,032,881, plus strand): 5'-TAGGCGAAGAATTGCTCCAATCATGAATGTGGAAATGGCCACGAGATCTGTGATGTTCCA[G>C]TACTCCTGAAGCCAAACTTTGATTTTCTGGCTGAGTTTGCCTGGTTCTGACATGAGGATC-3'